The following is an entry in ClinVar:

ClinVar aggregate classification (germline): Benign/Likely benign. Review status: criteria provided, multiple submitters, no conflicts (2 of 4 stars). 3 submissions from 3 submitters: Benign (1); Likely benign (2). Last evaluated 2026-09-01.

Submissions (3):

CeGaT Center for Human Genetics Tuebingen
Classification: Likely benign. Last evaluated: 2026-09-01. Review status: criteria provided, single submitter. Criteria: CeGaT Center For Human Genetics Tuebingen Variant Classification Criteria Version 2. Collection method: clinical testing. Allele origin: germline. Affected: yes. Observed: 5 variant alleles.
Comment: KDM1A: BS1

Labcorp Genetics (formerly Invitae), Labcorp
Classification: Benign. Last evaluated: 2026-02-01. Review status: criteria provided, single submitter. Criteria: Invitae Variant Classification Sherloc (09022015). Collection method: clinical testing. Allele origin: germline.

Blueprint Genetics
Classification: Likely benign. Last evaluated: 2024-11-25. Review status: criteria provided, single submitter. Criteria: ACMG Guidelines, 2015. Collection method: clinical testing. Allele origin: germline.

NM_001009999.3(KDM1A):c.27_53del (p.Ala10_Ala18del)

Gene: KDM1A (lysine demethylase 1A; plus strand). Cytogenetic location: 1p36.12.
Variant type: Deletion.
Coding change: c.27_53del on transcript NM_001009999.3 (MANE Select); coding-DNA positions 27 to 53, 27 bases deleted (CGCGGCGGCGGCGGCTGCAGCGGCAGC).
Protein change: p.Ala10_Ala18del.
Molecular consequence: inframe deletion. On other transcripts: inframe indel (2).
Genome position (GRCh38, 1-based): chr1:23,019,623-23,019,649, CGCGGCGGCGGCGGCTGCAGCGGCAGC deleted; deleting any 27 consecutive bases within chr1:23,019,615-23,019,649 gives the same sequence; the c. name uses the placement nearest the transcript's 3' end. VCF-style (leftmost placement, unchanged base first): chr1-23019614-GGCGGCAGCCGCGGCGGCGGCGGCTGCA-G. GRCh37 (hg19) VCF-style: chr1-23346107-GGCGGCAGCCGCGGCGGCGGCGGCTGCA-G.
Other names: c.27_53del, p.Ala10_Ala18del (NM_001363654.2, NM_015013.4); c.27_53del27, p.Ala10_Ala18del (NM_001410762.1, NM_001410763.1).
Identifiers: ClinVar variation 1970962 (VCV001970962.16), dbSNP rs762119456, ClinGen allele CA679395.